The following is an entry in ClinVar:

ClinVar aggregate classification (germline): Uncertain significance. Review status: criteria provided, multiple submitters, no conflicts (2 of 4 stars). 2 submissions from 2 submitters: Uncertain significance (2). Last evaluated 2023-01-27.

Conditions:
Cardiovascular phenotype. Identifiers: MedGen CN230736.
Hereditary cancer-predisposing syndrome. Also called: Hereditary neoplastic syndrome; Tumor predisposition; Hereditary Cancer Syndrome; Neoplastic Syndromes, Hereditary. Identifiers: Orphanet 140162, MedGen C0027672, MeSH D009386, MONDO:0015356.
Neurofibromatosis, type 1 (NF1). Also called: VON RECKLINGHAUSEN DISEASE; NEUROFIBROMATOSIS, TYPE I, SOMATIC; Neurofibromatosis, type I; Peripheral type neurofibromatosis. Identifiers: Orphanet 636, MedGen C0027831, MONDO:0018975, OMIM 162200. Disease mechanism: loss of function.

Submissions (2):

Ambry Genetics
Classification: Uncertain significance for Cardiovascular phenotype; Hereditary cancer-predisposing syndrome. Last evaluated: 2023-01-27. Review status: criteria provided, single submitter. Criteria: Ambry Variant Classification Scheme 2023. Collection method: clinical testing. Allele origin: germline.
Comment: The p.K1185E variant (also known as c.3553A>G), located in coding exon 27 of the NF1 gene, results from an A to G substitution at nucleotide position 3553. The lysine at codon 1185 is replaced by glutamic acid, an amino acid with similar properties. This amino acid position is conserved. In addition, this alteration is predicted to be deleterious by in silico analysis. Since supporting evidence is limited at this time, the clinical significance of this alteration remains unclear.

Labcorp Genetics (formerly Invitae), Labcorp
Classification: Uncertain significance for Neurofibromatosis, type 1. Last evaluated: 2020-12-02. Review status: criteria provided, single submitter. Criteria: Invitae Variant Classification Sherloc (09022015). Collection method: clinical testing. Allele origin: germline.
Comment: In summary, the available evidence is currently insufficient to determine the role of this variant in disease. Therefore, it has been classified as a Variant of Uncertain Significance. Advanced modeling of protein sequence and biophysical properties (such as structural, functional, and spatial information, amino acid conservation, physicochemical variation, residue mobility, and thermodynamic stability) performed at Invitae indicates that this missense variant is expected to disrupt NF1 protein function. This variant has not been reported in the literature in individuals with NF1-related conditions. This variant is not present in population databases (ExAC no frequency). This sequence change replaces lysine with glutamic acid at codon 1185 of the NF1 protein (p.Lys1185Glu). The lysine residue is moderately conserved and there is a small physicochemical difference between lysine and glutamic acid.

NM_001042492.3(NF1):c.3553A>G (p.Lys1185Glu)

Gene: NF1 (neurofibromin 1; plus strand). Cytogenetic location: 17q11.2.
Variant type: single nucleotide variant.
Coding change: c.3553A>G on transcript NM_001042492.3 (MANE Select); coding-DNA position 3553, A replaced by G.
Protein change: p.Lys1185Glu; replaces lysine 1185 with glutamic acid.
Molecular consequence: missense variant.
Genome position (GRCh38, 1-based): chr17:31,233,058, A>G. VCF-style: chr17-31233058-A-G. GRCh37 (hg19) VCF-style: chr17-29560076-A-G.
Other names: c.3553A>G, p.Lys1185Glu (NM_000267.4); short protein forms K1185E.
Identifiers: ClinVar variation 1426860 (VCV001426860.9), dbSNP rs2151435410, ClinGen allele CA398990004.